The following is an entry in ClinVar:

ClinVar aggregate classification (germline): Pathogenic (1 of 4 stars; one submission).

Conditions:
Epidermolysis bullosa simplex 3, localized or generalized intermediate, with BP230 deficiency (EBS3). Also called: Epidermolysis bullosa simplex, autosomal recessive 2; Epidermolysis bullosa simplex due to BP230 deficiency. Identifiers: Orphanet 412181, MedGen C3809470, MONDO:0014180, OMIM 615425.
Hereditary sensory and autonomic neuropathy type 6. Also called: Neuropathy, hereditary sensory and autonomic, type VI; HSAN VI. Identifiers: Orphanet 314381, MedGen C3539003, MONDO:0013839, OMIM 614653.

gnomAD v4.1: 1 of 1,613,182 alleles (0.000062%); highest among the groups gnomAD compares: Non-Finnish European, 0.000085%; no homozygotes.

Submission:

Labcorp Genetics (formerly Invitae), Labcorp
Classification: Pathogenic for Epidermolysis bullosa simplex 3, localized or generalized intermediate, with BP230 deficiency; Hereditary sensory and autonomic neuropathy type 6. Last evaluated: 2021-06-07. Review status: criteria provided, single submitter. Criteria: Invitae Variant Classification Sherloc (09022015). Collection method: clinical testing. Allele origin: germline.
Comment: For these reasons, this variant has been classified as Pathogenic. This variant has not been reported in the literature in individuals with DST-related conditions. This variant is not present in population databases (ExAC no frequency). This sequence change creates a premature translational stop signal (p.Arg1061*) in the DST gene. It is expected to result in an absent or disrupted protein product. Loss-of-function variants in DST are known to be pathogenic (PMID: 22522446, 25059916, 30371979).

Literature cited by the submitters: PubMed 22522446; PubMed 25059916; PubMed 30371979.

NM_001374736.1(DST):c.4792C>T (p.Arg1598Ter)

Gene: DST (dystonin; minus strand). Cytogenetic location: 6p12.1.
Variant type: single nucleotide variant.
Coding change: c.4792C>T on transcript NM_001374736.1 (MANE Select); coding-DNA position 4792, C replaced by T.
Protein change: p.Arg1598Ter; replaces arginine 1598 with a stop codon.
Molecular consequence: nonsense.
Genome position (GRCh38, 1-based): chr6:56,625,195, G>A on the plus strand (C>T on the coding strand, the complement: DST is on the minus strand). VCF-style: chr6-56625195-G-A. GRCh37 (hg19) VCF-style: chr6-56489993-G-A.
Other names: c.4693C>T, p.Arg1565Ter (NM_001144769.5); c.4279C>T, p.Arg1427Ter (NM_001144770.2); c.4792C>T, p.Arg1598Ter (NM_001374722.1); c.4159C>T, p.Arg1387Ter (NM_001374729.1, NM_001374730.1, NM_001386100.1 and 1 more transcripts); c.4819C>T, p.Arg1607Ter (NM_001374734.1); c.3181C>T, p.Arg1061Ter (NM_001723.7, NM_015548.5); short protein forms R1387*, R1565*, R1607*, R1427*, R1061*, R1598*.
Identifiers: ClinVar variation 1455496 (VCV001455496.6), dbSNP rs1188417345, ClinGen allele CA364572753.
Genomic context (GRCh38, chr6:56,625,195, plus strand): 5'-CTTTCTCTCATACTTTTATTACCTCTTGAATAATGAGATCTGCTGAACTCTGCATTCTTC[G>A]GCGTTTCACTGGAGATTTTTGTTGTGAATCTACCATGGCCCGGTAGGTCATTGTTTGTAA-3'